The following is an entry in ClinVar:

ClinVar aggregate classification (germline): Uncertain significance. Review status: criteria provided, multiple submitters, no conflicts (2 of 4 stars). 2 submissions from 2 submitters: Uncertain significance (2). Last evaluated 2021-11-19.

Conditions:
Inborn genetic diseases. Identifiers: MedGen C0950123, MeSH D030342.
Early-infantile DEE. Also called: Ohtahara syndrome; Early infantile epileptic encephalopathy with suppression bursts; Early infantile epileptic encephalopathy. Identifiers: Orphanet 1934, MedGen C0393706, MONDO:0800491.

Submissions (2):

Ambry Genetics
Classification: Uncertain significance for Inborn genetic diseases. Last evaluated: 2021-11-19. Review status: criteria provided, single submitter. Criteria: Ambry Variant Classification Scheme 2023. Collection method: clinical testing. Allele origin: germline.

Labcorp Genetics (formerly Invitae), Labcorp
Classification: Uncertain significance for Early-infantile DEE. Last evaluated: 2020-09-11. Review status: criteria provided, single submitter. Criteria: Invitae Variant Classification Sherloc (09022015). Collection method: clinical testing. Allele origin: germline.
Comment: In summary, the available evidence is currently insufficient to determine the role of this variant in disease. Therefore, it has been classified as a Variant of Uncertain Significance. Algorithms developed to predict the effect of missense changes on protein structure and function are either unavailable or do not agree on the potential impact of this missense change (SIFT: "Deleterious"; PolyPhen-2: "Probably Damaging"; Align-GVGD: "Class C0"). This variant has not been reported in the literature in individuals with SCN8A-related conditions. This variant is not present in population databases (ExAC no frequency). This sequence change replaces glutamic acid with aspartic acid at codon 20 of the SCN8A protein (p.Glu20Asp). The glutamic acid residue is moderately conserved and there is a small physicochemical difference between glutamic acid and aspartic acid.

NM_001330260.2(SCN8A):c.60G>C (p.Glu20Asp)

Genes: SCN8A (sodium voltage-gated channel alpha subunit 8; plus strand), LOC114803470 (SCN8A eExon liver enhancer; plus strand). Cytogenetic location: 12q13.13.
Variant type: single nucleotide variant.
Coding change: c.60G>C on transcript NM_001330260.2 (MANE Select); coding-DNA position 60, G replaced by C.
Protein change: p.Glu20Asp; replaces glutamic acid 20 with aspartic acid.
Molecular consequence: missense variant.
Genome position (GRCh38, 1-based): chr12:51,662,877, G>C. VCF-style: chr12-51662877-G-C. GRCh37 (hg19) VCF-style: chr12-52056661-G-C.
Other names: c.60G>C, p.Glu20Asp (NM_001177984.3, NM_001369788.1, NM_014191.4); short protein forms E20D.
Identifiers: ClinVar variation 1059636 (VCV001059636.12), dbSNP rs1940951373, ClinGen allele CA385227540.
Genomic context (GRCh38, chr12:51,662,877, plus strand): 5'-GATGGCAGCGCGGCTGCTTGCACCACCAGGCCCTGATAGTTTCAAGCCTTTCACCCCTGA[G>C]TCACTGGCAAACATTGAGAGGCGCATTGCTGAGAGCAAGCTCAAGAAACCACCAAAGGCC-3'
Protein context (NP_001317189.1, residues 10-30): GPDSFKPFTP[Glu20Asp]SLANIERRIA